The following is an entry in ClinVar:

ClinVar aggregate classification (germline): Uncertain significance. Review status: criteria provided, multiple submitters, no conflicts (2 of 4 stars). 2 submissions from 2 submitters: Uncertain significance (2). Last evaluated 2022-07-09.

Allele frequency attached by ClinVar (database versions not stated): gnomAD exomes below 0.00001 and 0.00006; gnomAD 0.00001 and 0.00003; TOPMed 0.00006; ESP Exome Variant Server 0.00008; 1000 Genomes Project 30x 0.00031; 1000 Genomes Project 0.00040; ExAC 0.00040.
gnomAD v4.1: 11 of 1,514,236 alleles (0.00073%); highest among the groups gnomAD compares: African/African-American, 0.0082%; no homozygotes.

Submissions (2):

Labcorp Genetics (formerly Invitae), Labcorp
Classification: Uncertain significance. Last evaluated: 2022-07-09. Review status: criteria provided, single submitter. Criteria: Invitae Variant Classification Sherloc (09022015). Collection method: clinical testing. Allele origin: germline.
Comment: In summary, the available evidence is currently insufficient to determine the role of this variant in disease. Therefore, it has been classified as a Variant of Uncertain Significance. Experimental studies and prediction algorithms are not available or were not evaluated, and the functional significance of this variant is currently unknown. ClinVar contains an entry for this variant (Variation ID: 228844). This variant has not been reported in the literature in individuals affected with LTBP4-related conditions. This variant is present in population databases (rs187448224, gnomAD 0.05%). This sequence change replaces glutamic acid, which is acidic and polar, with glutamine, which is neutral and polar, at codon 1480 of the LTBP4 protein (p.Glu1480Gln).

Laboratory for Molecular Medicine, Mass General Brigham Personalized Medicine
Classification: Uncertain significance. Last evaluated: 2016-02-15. Review status: criteria provided, single submitter. Criteria: LMM Criteria. Collection method: clinical testing. Allele origin: germline. Observed: 1 variant allele.
Comment: The p.Glu1517Gln variant in LTBP4 has not been previously reported in individual s with pulmonary disease, but has been identified in 0.26% (4/1354) of African c hromosomes by the Exome Aggregation Consortium (ExAC .org; dbSNP rs187448224). Computational prediction tools and conservation analys is are limited or unavailable for this variant. In summary, the clinical signifi cance of the p.Glu1517Gln variant is uncertain.

NM_001042545.2(LTBP4):c.4348G>C (p.Glu1450Gln)

Gene: LTBP4 (latent transforming growth factor beta binding protein 4; plus strand). Cytogenetic location: 19q13.2.
Variant type: single nucleotide variant.
Coding change: c.4348G>C on transcript NM_001042545.2 (MANE Select); coding-DNA position 4348, G replaced by C.
Protein change: p.Glu1450Gln; replaces glutamic acid 1450 with glutamine.
Molecular consequence: missense variant.
Genome position (GRCh38, 1-based): chr19:40,627,337, G>C. VCF-style: chr19-40627337-G-C. GRCh37 (hg19) VCF-style: chr19-41133242-G-C.
Other names: c.4549G>C, p.Glu1517Gln (NM_001042544.1); c.4438G>C, p.Glu1480Gln (NM_003573.2); short protein forms E1450Q, E1480Q, E1517Q.
Identifiers: ClinVar variation 228844 (VCV000228844.7), dbSNP rs187448224, ClinGen allele CA9449282.